The following is an entry in ClinVar:

ClinVar aggregate classification (germline): Uncertain significance. Review status: criteria provided, single submitter (1 of 4 stars). 2 submissions from 2 submitters: Uncertain significance (1). 1 of the submissions does not count toward it. Last evaluated 2022-04-01.

Conditions:
MHC class II deficiency. Also called: Bare lymphocyte syndrome 2; BLS, TYPE II. Identifiers: Orphanet 572, MedGen C5447452, MONDO:0008855.

Allele frequency attached by ClinVar (database versions not stated): TOPMed 0.00003; ESP Exome Variant Server 0.00008.
gnomAD v4.1: 35 of 1,614,038 alleles (0.0022%); highest among the groups gnomAD compares: Middle Eastern, 0.033%; no homozygotes.

Submissions (2):

Labcorp Genetics (formerly Invitae), Labcorp
Classification: Uncertain significance for MHC class II deficiency. Last evaluated: 2022-04-01. Review status: criteria provided, single submitter. Criteria: Invitae Variant Classification Sherloc (09022015). Collection method: clinical testing. Allele origin: germline.
Comment: This sequence change replaces valine, which is neutral and non-polar, with isoleucine, which is neutral and non-polar, at codon 327 of the CIITA protein (p.Val327Ile). This variant is present in population databases (rs148597952, gnomAD 0.01%). This variant has not been reported in the literature in individuals affected with CIITA-related conditions. ClinVar contains an entry for this variant (Variation ID: 862974). Algorithms developed to predict the effect of missense changes on protein structure and function (SIFT, PolyPhen-2, Align-GVGD) all suggest that this variant is likely to be tolerated. In summary, the available evidence is currently insufficient to determine the role of this variant in disease. Therefore, it has been classified as a Variant of Uncertain Significance.

Natera, Inc.
Classification: Uncertain significance for Bare lymphocyte syndrome type II. Last evaluated: 2020-09-16. Review status: no assertion criteria provided. Collection method: clinical testing. Allele origin: germline. Not counted in ClinVar's aggregate classification.

NM_000246.4(CIITA):c.979G>A (p.Val327Ile)

Gene: CIITA (class II major histocompatibility complex transactivator; plus strand). Cytogenetic location: 16p13.13.
Variant type: single nucleotide variant.
Coding change: c.979G>A on transcript NM_000246.4 (MANE Select); coding-DNA position 979, G replaced by A.
Protein change: p.Val327Ile; replaces valine 327 with isoleucine.
Molecular consequence: missense variant. On other transcripts: non-coding transcript variant (1).
Genome position (GRCh38, 1-based): chr16:10,904,785, G>A. VCF-style: chr16-10904785-G-A. GRCh37 (hg19) VCF-style: chr16-10998642-G-A.
Other names: c.982G>A, p.Val328Ile (NM_001286402.1, NM_001379332.1); c.832G>A, p.Val278Ile (NM_001286403.2, NM_001379331.1); c.835G>A, p.Val279Ile (NM_001379330.1); c.979G>A, p.Val327Ile (NM_001379333.1); c.910G>A, p.Val304Ile (NM_001379334.1); short protein forms V328I, V278I, V327I, V279I, V304I.
Identifiers: ClinVar variation 862974 (VCV000862974.5), dbSNP rs148597952, ClinGen allele CA7899990.
Genomic context (GRCh38, chr16:10,904,785, plus strand): 5'-CCTGCTTCTCCATCTCCAGAGCACAAGACGTCCCCCACCCAATGCCCGGCAGCTGGAGAG[G>A]TCTCCAACAAGCTTCCAAAATGGCCTGGTGAGTGATGCGGGATCTCTCTGCCCTGGGTGG-3'
Protein context (NP_000237.2, residues 317-337): SPTQCPAAGE[Val327Ile]SNKLPKWPEP